The following is an entry in ClinVar:

NM_139057.4(ADAMTS17):c.3056C>T (p.Pro1019Leu)

Gene: ADAMTS17 (ADAM metallopeptidase with thrombospondin type 1 motif 17; minus strand). Cytogenetic location: 15q26.3.
Variant type: single nucleotide variant.
Coding change: c.3056C>T on transcript NM_139057.4 (MANE Select); coding-DNA position 3056, C replaced by T.
Protein change: p.Pro1019Leu; replaces proline 1019 with leucine.
Molecular consequence: missense variant.
Genome position (GRCh38, 1-based): chr15:99,976,116, G>A on the plus strand (C>T on the coding strand, the complement: ADAMTS17 is on the minus strand). VCF-style: chr15-99976116-G-A. GRCh37 (hg19) VCF-style: chr15-100516321-G-A.
Other names: short protein forms P1019L.
Identifiers: ClinVar variation 1943397 (VCV001943397.4), dbSNP rs917905991, ClinGen allele CA393692603.

ClinVar aggregate classification (germline): Uncertain significance (1 of 4 stars; one submission).

gnomAD v4.1: 15 of 1,551,512 alleles (0.00097%); highest among the groups gnomAD compares: African/African-American, 0.0014%; no homozygotes.

Submission:

Labcorp Genetics (formerly Invitae), Labcorp
Classification: Uncertain significance. Last evaluated: 2024-06-17. Review status: criteria provided, single submitter. Criteria: Invitae Variant Classification Sherloc (09022015). Collection method: clinical testing. Allele origin: germline.
Comment: This sequence change replaces proline, which is neutral and non-polar, with leucine, which is neutral and non-polar, at codon 1019 of the ADAMTS17 protein (p.Pro1019Leu). This variant is present in population databases (no rsID available, gnomAD 0.002%). This variant has not been reported in the literature in individuals affected with ADAMTS17-related conditions. ClinVar contains an entry for this variant (Variation ID: 1943397). An algorithm developed to predict the effect of missense changes on protein structure and function (PolyPhen-2) suggests that this variant¬†is likely to be tolerated. In summary, the available evidence is currently insufficient to determine the role of this variant in disease. Therefore, it has been classified as a Variant of Uncertain Significance.